The following is an entry in ClinVar:

ClinVar aggregate classification (germline): Likely pathogenic (1 of 4 stars; one submission).

Conditions:
Propionic acidemia (PROP). Also called: GLYCINEMIA, KETOTIC; HYPERGLYCINEMIA WITH KETOACIDOSIS AND LEUKOPENIA; KETOTIC HYPERGLYCINEMIA. Identifiers: Orphanet 35, MedGen C0268579, MONDO:0011628, OMIM 606054, HP:0003571.

Submission:

Labcorp Genetics (formerly Invitae), Labcorp
Classification: Likely pathogenic for Propionic acidemia. Last evaluated: 2022-08-23. Review status: criteria provided, single submitter. Criteria: Invitae Variant Classification Sherloc (09022015). Collection method: clinical testing. Allele origin: germline.
Comment: This variant has not been reported in the literature in individuals affected with PCCA-related conditions. This variant is not present in population databases (gnomAD no frequency). This sequence change affects a donor splice site in intron 6 of the PCCA gene. It is expected to disrupt RNA splicing. Variants that disrupt the donor or acceptor splice site typically lead to a loss of protein function (PMID: 16199547), and loss-of-function variants in PCCA are known to be pathogenic (PMID: 15464417). Algorithms developed to predict the effect of sequence changes on RNA splicing suggest that this variant may disrupt the consensus splice site. In summary, the currently available evidence indicates that the variant is pathogenic, but additional data are needed to prove that conclusively. Therefore, this variant has been classified as Likely Pathogenic.

Literature cited by the submitters: PubMed 16199547; PubMed 15464417.

NM_000282.4(PCCA):c.468+2T>C

Gene: PCCA (propionyl-CoA carboxylase subunit alpha; plus strand). Cytogenetic location: 13q32.3.
Variant type: single nucleotide variant.
Coding change: c.468+2T>C on transcript NM_000282.4 (MANE Select); the canonical splice donor site of the intron after coding-DNA position 468, T replaced by C.
Molecular consequence: splice donor variant.
Genome position (GRCh38, 1-based): chr13:100,157,342, T>C. VCF-style: chr13-100157342-T-C. GRCh37 (hg19) VCF-style: chr13-100809596-T-C.
Other names: c.468+2T>C (NM_001178004.2, NM_001352605.2, NM_001352606.2 and 1 more transcripts); c.-399+2T>C (NM_001352610.2, NM_001352611.2, NM_001352612.2); c.390+2T>C (NM_001127692.3, NM_001352607.2, NM_001352608.2).
Identifiers: ClinVar variation 2026721 (VCV002026721.4), dbSNP rs2542895898, ClinGen allele CA388693931.